The following is an entry in ClinVar:

ClinVar aggregate classification (germline): Likely pathogenic. Review status: reviewed by expert panel (3 of 4 stars). 2 submissions from 2 submitters: Likely pathogenic (1). 1 of the submissions does not count toward it. Last evaluated 2026-05-19.

Conditions:
PIK3R1-related immunodeficiency and SHORT syndrome. Identifiers: MedGen CN379774, MONDO:1060136.
Immunodeficiency 36 with lymphoproliferation. Also called: Immunodeficiency 36; ACTIVATED PI3K-DELTA SYNDROME 2; Activated PI3K Delta Syndrome Type 2 (APDS2). Identifiers: Orphanet 397596, Orphanet 693681, MedGen C4014934, MONDO:0014453, OMIM 616005.
SHORT syndrome. Also called: PIK3R1-Related SHORT Syndrome; SHORT STATURE, HYPEREXTENSIBILITY, HERNIA, OCULAR DEPRESSION, RIEGER ANOMALY, AND TEETHING DELAY; LIPODYSTROPHY, PARTIAL, WITH RIEGER ANOMALY AND SHORT STATURE. Identifiers: Orphanet 3163, MedGen C0878684, MONDO:0010026, OMIM 269880.
Agammaglobulinemia 7, autosomal recessive (AGM7). Also called: AGAMMAGLOBULINEMIA, AUTOSOMAL RECESSIVE, DUE TO PIK3R1 DEFECT. Identifiers: MedGen C3554689, MONDO:0014083, OMIM 615214.

Submissions (2):

ClinGen Primary Immune Regulatory Disorders Variant Curation Expert Panel, ClinGen
Classification: Likely pathogenic for PIK3R1-related immunodeficiency and SHORT syndrome. Last evaluated: 2026-05-19. Review status: reviewed by expert panel. Criteria: ClinGen AbDef ACMG Specifications PIK3R1 V1.0.0. Collection method: curation. Allele origin: germline. Inheritance: Autosomal dominant inheritance.
Comment: NM_181523.3(PIK3R1):c.1350_1360del (p.Glu451SerfsTer10) is a frameshift variant that introduces a premature stop codon into exon 11 of 16, and is predicted to lead to nonsense-mediated decay in all three disease-relevant transcripts (PVS1). This variant is absent from gnomAD v4.1.0 (PM2_Supporting). This variant has been reported in at least 1 affected unpublished patient submitted to ClinVar in an unreported state of zygosity (SCV003316029.3) without clinical phenotypes available, so PS4_Supporting could not be met. In summary, this variant meets the criteria to be classified as likely pathogenic for autosomal dominant PIK3R1-related immunodeficiency and SHORT syndrome based on the ACMG/AMP criteria applied, as specified by the ClinGen Antibody Deficiencies VCEP: PVS1 and PM2_Supporting. (VCEP specifications version 1.0.0; date of approval 04/29/2026).

Labcorp Genetics (formerly Invitae), Labcorp
Classification: Pathogenic for SHORT syndrome; Immunodeficiency 36 with lymphoproliferation; Agammaglobulinemia 7, autosomal recessive. Last evaluated: 2024-10-16. Review status: criteria provided, single submitter. Criteria: Invitae Variant Classification Sherloc (09022015). Collection method: clinical testing. Allele origin: germline. Not counted in ClinVar's aggregate classification.
Comment: This sequence change creates a premature translational stop signal (p.Glu451Serfs*10) in the PIK3R1 gene. It is expected to result in an absent or disrupted protein product. Loss-of-function variants in PIK3R1 are known to be pathogenic (PMID: 22351933, 25133428). This variant is not present in population databases (gnomAD no frequency). This variant has not been reported in the literature in individuals affected with PIK3R1-related conditions. ClinVar contains an entry for this variant (Variation ID: 2104788). For these reasons, this variant has been classified as Pathogenic.

Literature cited by the submitters: PubMed 22351933 (cited by Labcorp Genetics (formerly Invitae), Labcorp); PubMed 25133428 (cited by Labcorp Genetics (formerly Invitae), Labcorp).

NM_181523.3(PIK3R1):c.1350_1360del (p.Glu451fs)

Gene: PIK3R1 (phosphoinositide-3-kinase regulatory subunit 1; plus strand). Cytogenetic location: 5q13.1.
Variant type: Deletion.
Coding change: c.1350_1360del on transcript NM_181523.3 (MANE Select); coding-DNA positions 1350 to 1360, 11 bases deleted (TGAATATAACA).
Protein change: p.Glu451fs; shifts the reading frame from glutamic acid 451.
Molecular consequence: frameshift variant.
Genome position (GRCh38, 1-based): chr5:68,293,759-68,293,769, TGAATATAACA deleted; deleting any 11 consecutive bases within chr5:68,293,756-68,293,769 gives the same sequence; the c. name uses the placement nearest the transcript's 3' end. VCF-style (leftmost placement, unchanged base first): chr5-68293755-TACATGAATATA-T. GRCh37 (hg19) VCF-style: chr5-67589583-TACATGAATATA-T.
Other names: NM_181523.3(PIK3R1):c.1350_1360del; p.Glu451fs; c.261_271del, p.Glu88fs (NM_001242466.2); c.540_550del, p.Glu181fs (NM_181504.4); c.450_460del, p.Glu151fs (NM_181524.2); short protein forms E451fs, E181fs, E151fs, E88fs.
Identifiers: ClinVar variation 2104788 (VCV002104788.5), dbSNP rs2531001766, ClinGen allele CA2580073387.